The following is an entry in ClinVar:

NM_000093.5(COL5A1):c.3475-6C>G

Gene: COL5A1 (collagen type V alpha 1 chain; plus strand). Cytogenetic location: 9q34.3.
Variant type: single nucleotide variant.
Coding change: c.3475-6C>G on transcript NM_000093.5 (MANE Select); 6 bases into the intron before coding-DNA position 3475, C replaced by G.
Molecular consequence: intron variant.
Genome position (GRCh38, 1-based): chr9:134,810,249, C>G. VCF-style: chr9-134810249-C-G. GRCh37 (hg19) VCF-style: chr9-137702095-C-G.
Other names: c.3475-6C>G (NM_001278074.1).
Identifiers: ClinVar variation 3066240 (VCV003066240.1), dbSNP rs2490813935, ClinGen allele CA2740097897.

ClinVar aggregate classification (germline): Uncertain significance (1 of 4 stars; one submission).

Conditions:
Ehlers-Danlos syndrome, classic type, 1 (EDSCL1). Also called: EHLERS-DANLOS SYNDROME, GRAVIS TYPE; EHLERS-DANLOS SYNDROME, SEVERE CLASSIC TYPE; Ehlers-Danlos syndrome, type 1; Ehlers-Danlos Syndrome, Classic Type, COL5A1-Related; EDS I. Identifiers: MedGen C0268335, MONDO:0019567, OMIM 130000.

Submission:

MVZ Medizinische Genetik Mainz
Classification: Uncertain significance for Ehlers-Danlos syndrome, classic type, 1. Last evaluated: 2023-02-14. Review status: criteria provided, single submitter. Criteria: UK Practice Guidelines For Variant Classification V4 01 2020. Collection method: clinical testing. Allele origin: germline. Inheritance: Autosomal dominant inheritance. Affected: yes. Observed: 1 variant allele.
Comment: ACMG Criteria: PM2_SUP; PP3